The following is an entry in ClinVar:

NM_198253.3(TERT):c.907C>A (p.His303Asn)

Gene: TERT (telomerase reverse transcriptase; minus strand). Cytogenetic location: 5p15.33.
Variant type: single nucleotide variant.
Coding change: c.907C>A on transcript NM_198253.3 (MANE Select); coding-DNA position 907, C replaced by A.
Protein change: p.His303Asn; replaces histidine 303 with asparagine.
Molecular consequence: missense variant. On other transcripts: non-coding transcript variant (2).
Genome position (GRCh38, 1-based): chr5:1,293,979, G>T on the plus strand (C>A on the coding strand, the complement: TERT is on the minus strand). VCF-style: chr5-1293979-G-T. GRCh37 (hg19) VCF-style: chr5-1294094-G-T.
Other names: c.907C>A, p.His303Asn (NM_001193376.3); short protein forms H303N.
Identifiers: ClinVar variation 1426282 (VCV001426282.8), dbSNP rs376074999, ClinGen allele CA3184892.

ClinVar aggregate classification (germline): Uncertain significance. Review status: criteria provided, multiple submitters, no conflicts (2 of 4 stars). 2 submissions from 2 submitters: Uncertain significance (2). Last evaluated 2023-10-13.

Conditions:
Dyskeratosis congenita, autosomal dominant 2. Identifiers: MedGen C3151443, MONDO:0013521, OMIM 613989.
Idiopathic Pulmonary Fibrosis. Also called: Idiopathic fibrosing alveolitis, chronic form; idiopathic fibrosing alveolitis. Identifiers: Orphanet 2032, MedGen C1800706, MeSH D054990, MONDO:0800504.
Dyskeratosis congenita. Identifiers: Orphanet 1775, MedGen C0265965, MONDO:0015780.

Allele frequency attached by ClinVar (database versions not stated): gnomAD 0.00001; TOPMed 0.00001; ExAC 0.00004; ESP Exome Variant Server 0.00008.

Submissions (2):

Labcorp Genetics (formerly Invitae), Labcorp
Classification: Uncertain significance for Dyskeratosis congenita, autosomal dominant 2; Idiopathic Pulmonary Fibrosis. Last evaluated: 2023-10-13. Review status: criteria provided, single submitter. Criteria: Invitae Variant Classification Sherloc (09022015). Collection method: clinical testing. Allele origin: germline.
Comment: This sequence change replaces histidine, which is basic and polar, with asparagine, which is neutral and polar, at codon 303 of the TERT protein (p.His303Asn). This variant is not present in population databases (gnomAD no frequency). This variant has not been reported in the literature in individuals affected with TERT-related conditions. ClinVar contains an entry for this variant (Variation ID: 1426282). Advanced modeling of protein sequence and biophysical properties (such as structural, functional, and spatial information, amino acid conservation, physicochemical variation, residue mobility, and thermodynamic stability) has been performed at Invitae for this missense variant, however the output from this modeling did not meet the statistical confidence thresholds required to predict the impact of this variant on TERT protein function. In summary, the available evidence is currently insufficient to determine the role of this variant in disease. Therefore, it has been classified as a Variant of Uncertain Significance.

Ambry Genetics
Classification: Uncertain significance for Dyskeratosis congenita. Last evaluated: 2022-04-19. Review status: criteria provided, single submitter. Criteria: Ambry Variant Classification Scheme 2023. Collection method: clinical testing. Allele origin: germline.
Comment: The p.H303N variant (also known as c.907C>A), located in coding exon 2 of the TERT gene, results from a C to A substitution at nucleotide position 907. The histidine at codon 303 is replaced by asparagine, an amino acid with similar properties. This amino acid position is conserved. In addition, this alteration is predicted to be tolerated by in silico analysis. Since supporting evidence is limited at this time, the clinical significance of this alteration remains unclear.